The following is an entry in ClinVar:

ClinVar aggregate classification (germline): Likely benign (1 of 4 stars; one submission).

Allele frequency attached by ClinVar (database versions not stated): 1000 Genomes Project 30x 0.00125; 1000 Genomes Project 0.00160; gnomAD 0.00397.
gnomAD v4.1: 2,039 of 479,056 alleles (0.43%); highest among the groups gnomAD compares: Non-Finnish European, 0.6%; 7 homozygotes.

Submission:

CeGaT Center for Human Genetics Tuebingen
Classification: Likely benign. Last evaluated: 2026-09-01. Review status: criteria provided, single submitter. Criteria: CeGaT Center For Human Genetics Tuebingen Variant Classification Criteria Version 2. Collection method: clinical testing. Allele origin: germline. Affected: yes. Observed: 33 variant alleles.
Comment: EGFR: BS2

NM_005228.5(EGFR):c.2946+371G>A

Gene: EGFR (epidermal growth factor receptor; plus strand). Cytogenetic location: 7p11.2.
Variant type: single nucleotide variant.
Coding change: c.2946+371G>A on transcript NM_005228.5 (MANE Select); 371 bases into the intron after coding-DNA position 2946, G replaced by A.
Molecular consequence: intron variant.
Genome position (GRCh38, 1-based): chr7:55,200,784, G>A. VCF-style: chr7-55200784-G-A. GRCh37 (hg19) VCF-style: chr7-55268477-G-A.
Other names: c.2811+371G>A (NM_001346899.2, NM_001346897.2); c.2145+371G>A (NM_001346941.2); c.2946+371G>A (NM_001346898.2); c.2787+371G>A (NM_001346900.2).
Identifiers: ClinVar variation 2657510 (VCV002657510.24), dbSNP rs17290685, ClinGen allele CA158937677.
Genomic context (GRCh38, chr7:55,200,784, plus strand): 5'-GTCAGGCAGACGTGGCTTCACACCCCTGACTCTCCACTTCTTCGCATCACCCAGGCAGCC[G>A]ATCCACCTATCTCCTTCCATAACACAGGAATACCAAAACCAAGCTCACAGGATTGTCTCA-3'